The following is an entry in ClinVar:

NM_001286611.2(REPS1):c.1217C>T (p.Ser406Leu)

Gene: REPS1 (RALBP1 associated Eps domain containing 1; minus strand). Cytogenetic location: 6q24.1.
Variant type: single nucleotide variant.
Coding change: c.1217C>T on transcript NM_001286611.2 (MANE Select); coding-DNA position 1217, C replaced by T.
Protein change: p.Ser406Leu; replaces serine 406 with leucine.
Molecular consequence: missense variant.
Genome position (GRCh38, 1-based): chr6:138,930,017, G>A on the plus strand (C>T on the coding strand, the complement: REPS1 is on the minus strand). VCF-style: chr6-138930017-G-A. GRCh37 (hg19) VCF-style: chr6-139251154-G-A.
Other names: c.1217C>T, p.Ser406Leu (NM_001128617.3, NM_001286612.2, NM_031922.5); short protein forms S406L.
Identifiers: ClinVar variation 2419260 (VCV002419260.6), dbSNP rs910014920, ClinGen allele CA148324173.

ClinVar aggregate classification (germline): Uncertain significance (1 of 4 stars; one submission).

Allele frequency attached by ClinVar (database versions not stated): gnomAD exomes below 0.00001; gnomAD 0.00001; TOPMed 0.00002.
gnomAD v4.1: 6 of 1,613,564 alleles (0.00037%); highest among the groups gnomAD compares: Admixed American, 0.0033%; no homozygotes.

Submission:

Labcorp Genetics (formerly Invitae), Labcorp
Classification: Uncertain significance. Last evaluated: 2023-10-13. Review status: criteria provided, single submitter. Criteria: Invitae Variant Classification Sherloc (09022015). Collection method: clinical testing. Allele origin: germline.
Comment: This sequence change replaces serine, which is neutral and polar, with leucine, which is neutral and non-polar, at codon 406 of the REPS1 protein (p.Ser406Leu). This variant is not present in population databases (gnomAD no frequency). This variant has not been reported in the literature in individuals affected with REPS1-related conditions. ClinVar contains an entry for this variant (Variation ID: 2419260). Advanced modeling of protein sequence and biophysical properties (such as structural, functional, and spatial information, amino acid conservation, physicochemical variation, residue mobility, and thermodynamic stability) performed at Invitae indicates that this missense variant is expected to disrupt REPS1 protein function. In summary, the available evidence is currently insufficient to determine the role of this variant in disease. Therefore, it has been classified as a Variant of Uncertain Significance.